The following is an entry in ClinVar:

ClinVar aggregate classification (germline): Uncertain significance. Review status: criteria provided, multiple submitters, no conflicts (2 of 4 stars). 5 submissions from 5 submitters: Uncertain significance (5). Last evaluated 2024-11-25.

Conditions:
Primary immunodeficiency with natural-killer cell deficiency and adrenal insufficiency (IMD54). Also called: IMMUNODEFICIENCY 54; Natural killer cell and glucocorticoid deficiency with DNA repair defect. Identifiers: Orphanet 75391, MedGen C1864947, MONDO:0012383, OMIM 609981.

Allele frequency attached by ClinVar (database versions not stated): gnomAD 0.00016; TOPMed 0.00022; ESP Exome Variant Server 0.00030.
gnomAD v4.1: 826 of 1,550,426 alleles (0.053%); highest among the groups gnomAD compares: Non-Finnish European, 0.068%; no homozygotes.

Submissions (5):

Ambry Genetics
Classification: Uncertain significance. Last evaluated: 2024-11-25. Review status: criteria provided, single submitter. Criteria: Ambry Variant Classification Scheme 2023. Collection method: clinical testing. Allele origin: germline.

Labcorp Genetics (formerly Invitae), Labcorp
Classification: Uncertain significance. Last evaluated: 2022-09-27. Review status: criteria provided, single submitter. Criteria: Invitae Variant Classification Sherloc (09022015). Collection method: clinical testing. Allele origin: germline.
Comment: This sequence change replaces arginine, which is basic and polar, with glycine, which is neutral and non-polar, at codon 11 of the MCM4 protein (p.Arg11Gly). This variant is present in population databases (rs369039102, gnomAD 0.03%). This variant has not been reported in the literature in individuals affected with MCM4-related conditions. ClinVar contains an entry for this variant (Variation ID: 626134). Algorithms developed to predict the effect of missense changes on protein structure and function (SIFT, PolyPhen-2, Align-GVGD) all suggest that this variant is likely to be tolerated. In summary, the available evidence is currently insufficient to determine the role of this variant in disease. Therefore, it has been classified as a Variant of Uncertain Significance.

Center for Genomics, Ann and Robert H. Lurie Children's Hospital of Chicago
Classification: Uncertain significance for Primary immunodeficiency with natural-killer cell deficiency and adrenal insufficiency. Last evaluated: 2021-03-30. Review status: criteria provided, single submitter. Criteria: ACMG Guidelines, 2015. Collection method: clinical testing. Allele origin: germline.
Comment: MCM4 NM_005914.3 exon 1 p.Arg11Gly (c.31C>G):This variant has not been reported in the literature but is present in 25/90592 European alleles in the Genome Aggregation Database. Evolutionary conservation and computational predictive tools for this variant are unclear. In summary, data on this variant is insufficient for disease classification. Therefore, the clinical significance of this variant is uncertain.

GeneDx
Classification: Uncertain significance. Last evaluated: 2020-03-16. Review status: criteria provided, single submitter. Criteria: GeneDx Variant Classification Process June 2021. Collection method: clinical testing. Allele origin: germline. Affected: yes.
Comment: In silico analysis supports that this missense variant does not alter protein structure/function; Has not been previously published as pathogenic or benign to our knowledge

Illumina Laboratory Services, Illumina
Classification: Uncertain significance for Primary immunodeficiency with natural-killer cell deficiency and adrenal insufficiency. Last evaluated: 2018-01-13. Review status: criteria provided, single submitter. Criteria: ICSL Variant Classification Criteria 13 December 2019. Collection method: clinical testing. Allele origin: germline.

NM_182746.3(MCM4):c.31C>G (p.Arg11Gly)

Genes: MCM4 (minichromosome maintenance complex component 4; plus strand), LOC130000338 (ATAC-STARR-seq lymphoblastoid silent region 19178; plus strand). Cytogenetic location: 8q11.21.
Variant type: single nucleotide variant.
Coding change: c.31C>G on transcript NM_182746.3 (MANE Select); coding-DNA position 31, C replaced by G.
Protein change: p.Arg11Gly; replaces arginine 11 with glycine.
Molecular consequence: missense variant.
Genome position (GRCh38, 1-based): chr8:47,961,175, C>G. VCF-style: chr8-47961175-C-G. GRCh37 (hg19) VCF-style: chr8-48873735-C-G.
Other names: c.31C>G, p.Arg11Gly (LRG_1239t1, NM_005914.4); short protein forms R11G.
Identifiers: ClinVar variation 626134 (VCV000626134.11), dbSNP rs369039102, ClinGen allele CA4742146.